The following is an entry in ClinVar:

NM_000127.3(EXT1):c.1678dup (p.Ala560fs)

Gene: EXT1 (exostosin glycosyltransferase 1; minus strand). Cytogenetic location: 8q24.11.
Variant type: Duplication.
Coding change: c.1678dup on transcript NM_000127.3 (MANE Select); coding-DNA position 1678, one base duplicated (G; older notation c.1678dupG).
Protein change: p.Ala560fs; shifts the reading frame from alanine 560.
Molecular consequence: frameshift variant.
Genome position (GRCh38, 1-based): chr8:117,812,916, C duplicated on the plus strand (G on the coding strand, the reverse complement: EXT1 is on the minus strand). VCF-style (leftmost placement, unchanged base first): chr8-117812915-G-GC. GRCh37 (hg19) VCF-style: chr8-118825154-G-GC.
Other names: short protein forms A560fs.
Identifiers: ClinVar variation 4855887 (VCV004855887.1).
Genomic context (GRCh38, chr8:117,812,915, plus strand): 5'-CAGGCATGGGTTCTTACCTCTGTTGTTGAAAGCACCGTGTCCTCGTCAAGGCTGAGCACG[G>GC]CGTCTGTGATGATGTTGTCGTAGGGCAGAAAACGGCTGCTCATAACCTGGGAGGAAGTAG-3'

ClinVar aggregate classification (germline): Likely pathogenic (1 of 4 stars; one submission).

Conditions:
Exostoses, multiple, type 1 (EXT1). Also called: Hereditary Multiple Osteochondromatosis, Type I; EXOSTOSES, MULTIPLE, TYPE I. Identifiers: MedGen CN263289, MONDO:0007585, OMIM 133700.

Submission:

3billion
Classification: Likely pathogenic for Exostoses, multiple, type 1. Last evaluated: 2025-10-23. Review status: criteria provided, single submitter. Criteria: ACMG Guidelines, 2015. Collection method: clinical testing. Allele origin: germline. Affected: yes.
Comment: The variant is not observed in the gnomAD v4.1.0 dataset. Predicted Consequence/Location: Frameshift: predicted to result in a loss or disruption of normal protein function through nonsense-mediated decay (NMD) or protein truncation. Multiple pathogenic variants are reported downstream of the variant. Therefore, this variant is classified as Likely pathogenic according to the recommendation of ACMG/AMP guideline.